The following is an entry in ClinVar:

NM_001122630.2(CDKN1C):c.386C>G (p.Pro129Arg)

Gene: CDKN1C (cyclin dependent kinase inhibitor 1C; minus strand). Cytogenetic location: 11p15.4.
Variant type: single nucleotide variant.
Coding change: c.386C>G on transcript NM_001122630.2 (MANE Select); coding-DNA position 386, C replaced by G.
Protein change: p.Pro129Arg; replaces proline 129 with arginine.
Molecular consequence: missense variant. On other transcripts: intron variant (1).
Genome position (GRCh38, 1-based): chr11:2,885,071, G>C on the plus strand (C>G on the coding strand, the complement: CDKN1C is on the minus strand). VCF-style: chr11-2885071-G-C. GRCh37 (hg19) VCF-style: chr11-2906301-G-C.
Other names: c.419C>G, p.Pro140Arg (NM_000076.2, NM_001362474.2); c.386C>G, p.Pro129Arg (NM_001122631.2); c.255+131C>G (NM_001362475.2); short protein forms P129R, P140R.
Identifiers: ClinVar variation 3766237 (VCV003766237.1).

ClinVar aggregate classification (germline): Uncertain significance (1 of 4 stars; one submission).

Submission:

GeneDx
Classification: Uncertain significance. Last evaluated: 2024-08-23. Review status: criteria provided, single submitter. Criteria: GeneDx Variant Classification Process June 2021. Collection method: clinical testing. Allele origin: germline. Affected: yes.
Comment: Not observed at significant frequency in large population cohorts (gnomAD); In silico analysis indicates that this missense variant does not alter protein structure/function; Has not been previously published as pathogenic or benign to our knowledge